The following is an entry in ClinVar:

NM_015466.4(PTPN23):c.814T>A (p.Tyr272Asn)

Gene: PTPN23 (protein tyrosine phosphatase non-receptor type 23; plus strand). Cytogenetic location: 3p21.31.
Variant type: single nucleotide variant.
Coding change: c.814T>A on transcript NM_015466.4 (MANE Select); coding-DNA position 814, T replaced by A.
Protein change: p.Tyr272Asn; replaces tyrosine 272 with asparagine.
Molecular consequence: missense variant.
Genome position (GRCh38, 1-based): chr3:47,407,136, T>A. VCF-style: chr3-47407136-T-A. GRCh37 (hg19) VCF-style: chr3-47448626-T-A.
Other names: c.436T>A, p.Tyr146Asn (NM_001304482.2); short protein forms Y146N, Y272N.
Identifiers: ClinVar variation 1320359 (VCV001320359.2), dbSNP rs772609045, ClinGen allele CA2365507.

ClinVar aggregate classification (germline): Uncertain significance (1 of 4 stars; one submission).

Allele frequency attached by ClinVar (database versions not stated): TOPMed below 0.00001; ExAC 0.00001; gnomAD 0.00001.
gnomAD v4.1: 1 of 1,613,892 alleles (0.000062%); highest among the groups gnomAD compares: African/African-American, 0.0013%; no homozygotes.

Submission:

GeneDx
Classification: Uncertain significance. Last evaluated: 2019-04-05. Review status: criteria provided, single submitter. Criteria: GeneDx Variant Classification Process June 2021. Collection method: clinical testing. Allele origin: germline. Affected: yes.
Comment: Not observed in large population cohorts (Lek et al., 2016); In silico analysis, which includes protein predictors and evolutionary conservation, supports a deleterious effect; Has not been previously published as pathogenic or benign to our knowledge; Variants in candidate genes are classified as variants of uncertain significance in accordance with ACMG guidelines (Richards et al., 2015)